The following is an entry in ClinVar:

NM_001003694.2(BRPF1):c.1559+1G>A

Gene: BRPF1 (bromodomain and PHD finger containing 1; plus strand). Cytogenetic location: 3p25.3.
Variant type: single nucleotide variant.
Coding change: c.1559+1G>A on transcript NM_001003694.2 (MANE Select); the canonical splice donor site of the intron after coding-DNA position 1559, G replaced by A.
Molecular consequence: splice donor variant.
Genome position (GRCh38, 1-based): chr3:9,739,959, G>A. VCF-style: chr3-9739959-G-A. GRCh37 (hg19) VCF-style: chr3-9781643-G-A.
Other names: c.1559+1G>A (NM_001410704.1, NM_004634.3, NM_001319049.2 and 1 more transcripts).
Identifiers: ClinVar variation 3027367 (VCV003027367.22), dbSNP rs2471475338, ClinGen allele CA351688787.

ClinVar aggregate classification (germline): Likely pathogenic (1 of 4 stars; one submission).

Submission:

CeGaT Center for Human Genetics Tuebingen
Classification: Likely pathogenic. Last evaluated: 2024-03-01. Review status: criteria provided, single submitter. Criteria: CeGaT Center For Human Genetics Tuebingen Variant Classification Criteria Version 2. Collection method: clinical testing. Allele origin: germline. Affected: yes. Observed: 1 variant allele.
Comment: BRPF1: PM2, PS2:Moderate, PVS1:Moderate